The following is an entry in ClinVar:

ClinVar aggregate classification (germline): Likely benign. Review status: criteria provided, multiple submitters, no conflicts (2 of 4 stars). 4 submissions from 4 submitters: Likely benign (4). Last evaluated 2026-01-22.

Conditions:
Marfan syndrome (MFS). Also called: MARFAN SYNDROME, TYPE I; FBN1-Related Marfan Syndrome; Marfan syndrome type 1; Marfan's syndrome; Marfan syndrome, classic. Identifiers: Orphanet 284963, Orphanet 558, MedGen C0024796, MONDO:0007947, OMIM 154700.
Familial thoracic aortic aneurysm and aortic dissection (TAAD). Also called: Thoracic aortic aneurysms and dissections. Identifiers: Orphanet 91387, MedGen C4707243, MONDO:0019625.

Allele frequency attached by ClinVar (database versions not stated): gnomAD exomes 0.00002 and 0.00001; gnomAD 0.00001; ExAC 0.00002.
gnomAD v4.1: 5 of 1,614,086 alleles (0.00031%); highest among the groups gnomAD compares: Non-Finnish European, 0.000085%; no homozygotes.

Submissions (4):

Labcorp Genetics (formerly Invitae), Labcorp
Classification: Likely benign for Marfan syndrome; Familial thoracic aortic aneurysm and aortic dissection. Last evaluated: 2026-01-22. Review status: criteria provided, single submitter. Criteria: Invitae Variant Classification Sherloc (09022015). Collection method: clinical testing. Allele origin: germline.

Ambry Genetics
Classification: Likely benign for Familial thoracic aortic aneurysm and aortic dissection. Last evaluated: 2024-06-16. Review status: criteria provided, single submitter. Criteria: Ambry Variant Classification Scheme 2023. Collection method: clinical testing. Allele origin: germline.

All of Us Research Program, National Institutes of Health
Classification: Likely benign for Marfan syndrome. Last evaluated: 2023-10-02. Review status: criteria provided, single submitter. Criteria: ACMG Guidelines, 2015. Collection method: clinical testing. Allele origin: germline. Inheritance: Autosomal dominant inheritance. Observed: 1 variant allele, 1 heterozygote.
Comment: This study involves interpretation of variants in research participants for the purpose of population health screening. Participant phenotype was not available at the time of variant classification. Additional details can be found in publication PMID: 35346344, PMCID: PMC8962531

Women's Health and Genetics/Laboratory Corporation of America, LabCorp
Classification: Likely benign. Last evaluated: 2023-05-22. Review status: criteria provided, single submitter. Criteria: LabCorp Variant Classification Summary - May 2015. Collection method: clinical testing. Allele origin: germline.

NM_000138.5(FBN1):c.3021G>A (p.Leu1007=)

Gene: FBN1 (fibrillin 1; minus strand). Cytogenetic location: 15q21.1.
Variant type: single nucleotide variant.
Coding change: c.3021G>A on transcript NM_000138.5 (MANE Select); coding-DNA position 3021, G replaced by A.
Protein change: p.Leu1007=; no amino-acid change (leucine 1007 retained).
Molecular consequence: synonymous variant.
Genome position (GRCh38, 1-based): chr15:48,489,912, C>T on the plus strand (G>A on the coding strand, the complement: FBN1 is on the minus strand). VCF-style: chr15-48489912-C-T. GRCh37 (hg19) VCF-style: chr15-48782109-C-T.
Identifiers: ClinVar variation 764192 (VCV000764192.10), dbSNP rs764203356, ClinGen allele CA049584.